The following is an entry in ClinVar:

NM_001009999.3(KDM1A):c.305C>T (p.Ala102Val)

Gene: KDM1A (lysine demethylase 1A; plus strand). Cytogenetic location: 1p36.12.
Variant type: single nucleotide variant.
Coding change: c.305C>T on transcript NM_001009999.3 (MANE Select); coding-DNA position 305, C replaced by T.
Protein change: p.Ala102Val; replaces alanine 102 with valine.
Molecular consequence: missense variant.
Genome position (GRCh38, 1-based): chr1:23,019,901, C>T. VCF-style: chr1-23019901-C-T. GRCh37 (hg19) VCF-style: chr1-23346394-C-T.
Other names: c.305C>T, p.Ala102Val (NM_001363654.2, NM_001410762.1, NM_001410763.1 and 1 more transcripts); short protein forms A102V.
Identifiers: ClinVar variation 4042165 (VCV004042165.1).

ClinVar aggregate classification (germline): Uncertain significance (1 of 4 stars; one submission).

Conditions:
Inborn genetic diseases. Identifiers: MedGen C0950123, MeSH D030342.

gnomAD v4.1: 6 of 1,572,978 alleles (0.00038%); highest among the groups gnomAD compares: Non-Finnish European, 0.00043%; no homozygotes.

Submission:

Ambry Genetics
Classification: Uncertain significance for Inborn genetic diseases. Last evaluated: 2025-05-31. Review status: criteria provided, single submitter. Criteria: Ambry Variant Classification Scheme 2023. Collection method: clinical testing. Allele origin: germline.
Comment: The p.A102V variant (also known as c.305C>T), located in coding exon 1 of the KDM1A gene, results from a C to T substitution at nucleotide position 305. The alanine at codon 102 is replaced by valine, an amino acid with similar properties. This amino acid position is conserved. In addition, this alteration is predicted to be tolerated by in silico analysis. Based on the available evidence, the clinical significance of this variant remains unclear.